The following is an entry in ClinVar:

ClinVar aggregate classification (germline): Uncertain significance (1 of 4 stars; one submission).

Conditions:
Peroxisome biogenesis disorder 7A (Zellweger). Also called: Peroxisome biogenesis disorder 7A. Identifiers: Orphanet 912, MedGen C3888385, MONDO:0013938, OMIM 614872.
Peroxisome biogenesis disorder 7B (PBD7B). Identifiers: Orphanet 44, MedGen C3553951, MONDO:0013939, OMIM 614873.

Allele frequency attached by ClinVar (database versions not stated): gnomAD exomes below 0.00001.
gnomAD v4.1: 3 of 1,600,584 alleles (0.00019%); highest among the groups gnomAD compares: Non-Finnish European, 0.00026%; no homozygotes.

Submission:

Labcorp Genetics (formerly Invitae), Labcorp
Classification: Uncertain significance for Peroxisome biogenesis disorder 7A (Zellweger); Peroxisome biogenesis disorder 7B. Last evaluated: 2022-03-09. Review status: criteria provided, single submitter. Criteria: Invitae Variant Classification Sherloc (09022015). Collection method: clinical testing. Allele origin: germline.
Comment: This sequence change replaces glutamic acid, which is acidic and polar, with lysine, which is basic and polar, at codon 72 of the PEX26 protein (p.Glu72Lys). The frequency data for this variant in the population databases is considered unreliable, as metrics indicate poor data quality at this position in the gnomAD database. This variant has not been reported in the literature in individuals affected with PEX26-related conditions. Algorithms developed to predict the effect of missense changes on protein structure and function (SIFT, PolyPhen-2, Align-GVGD) all suggest that this variant is likely to be tolerated. In summary, the available evidence is currently insufficient to determine the role of this variant in disease. Therefore, it has been classified as a Variant of Uncertain Significance.

NM_001127649.3(PEX26):c.214G>A (p.Glu72Lys)

Gene: PEX26 (peroxisomal biogenesis factor 26; plus strand). Cytogenetic location: 22q11.21.
Variant type: single nucleotide variant.
Coding change: c.214G>A on transcript NM_001127649.3 (MANE Select); coding-DNA position 214, G replaced by A.
Protein change: p.Glu72Lys; replaces glutamic acid 72 with lysine.
Molecular consequence: missense variant.
Genome position (GRCh38, 1-based): chr22:18,078,590, G>A. VCF-style: chr22-18078590-G-A. GRCh37 (hg19) VCF-style: chr22-18561356-G-A.
Other names: c.214G>A, p.Glu72Lys (NM_001199319.2, NM_017929.6); short protein forms E72K.
Identifiers: ClinVar variation 1483974 (VCV001483974.5), dbSNP rs754081996, ClinGen allele CA410265324.